The following is an entry in ClinVar:

NM_001374259.2(IL12RB2):c.2302A>G (p.Lys768Glu)

Gene: IL12RB2 (interleukin 12 receptor subunit beta 2; plus strand). Cytogenetic location: 1p31.3.
Variant type: single nucleotide variant.
Coding change: c.2302A>G on transcript NM_001374259.2 (MANE Select); coding-DNA position 2302, A replaced by G.
Protein change: p.Lys768Glu; replaces lysine 768 with glutamic acid.
Molecular consequence: missense variant. On other transcripts: 3 prime UTR variant (3), non-coding transcript variant (2).
Genome position (GRCh38, 1-based): chr1:67,395,802, A>G. VCF-style: chr1-67395802-A-G. GRCh37 (hg19) VCF-style: chr1-67861485-A-G.
Other names: c.*222A>G (NM_001258214.1, NM_001319233.1); c.2044A>G, p.Lys682Glu (NM_001258215.1); c.*203A>G (NM_001258216.1); c.2302A>G, p.Lys768Glu (NM_001559.3); short protein forms K682E, K768E.
Identifiers: ClinVar variation 4715833 (VCV004715833.1).

ClinVar aggregate classification (germline): Uncertain significance (1 of 4 stars; one submission).

gnomAD v4.1: 8 of 1,614,002 alleles (0.0005%); highest among the groups gnomAD compares: Non-Finnish European, 0.00068%; no homozygotes.

Submission:

Labcorp Genetics (formerly Invitae), Labcorp
Classification: Uncertain significance. Last evaluated: 2025-03-30. Review status: criteria provided, single submitter. Criteria: Invitae Variant Classification Sherloc (09022015). Collection method: clinical testing. Allele origin: germline.
Comment: This sequence change replaces lysine, which is basic and polar, with glutamic acid, which is acidic and polar, at codon 768 of the IL12RB2 protein (p.Lys768Glu). This variant is not present in population databases (gnomAD no frequency). This variant has not been reported in the literature in individuals affected with IL12RB2-related conditions. An algorithm developed to predict the effect of missense changes on protein structure and function (PolyPhen-2) suggests that this variant is likely to be disruptive. In summary, the available evidence is currently insufficient to determine the role of this variant in disease. Therefore, it has been classified as a Variant of Uncertain Significance.